The following is an entry in ClinVar:

ClinVar aggregate classification (germline): Likely pathogenic (1 of 4 stars; one submission).

Conditions:
Retinitis pigmentosa 39 (RP39). Identifiers: Orphanet 791, MedGen C3151138, MONDO:0013436, OMIM 613809.

Submission:

Institute of Human Genetics, University of Leipzig Medical Center
Classification: Likely pathogenic for Retinitis pigmentosa 39. Last evaluated: 2023-03-16. Review status: criteria provided, single submitter. Criteria: ACMG Guidelines, 2015. Collection method: clinical testing. Allele origin: unknown. Affected: yes.
Comment: _x000D_ Criteria applied: PVS1, PM2_SUP

NM_206933.4(USH2A):c.12698G>A (p.Trp4233Ter)

Gene: USH2A (usherin; minus strand). Cytogenetic location: 1q41.
Variant type: single nucleotide variant.
Coding change: c.12698G>A on transcript NM_206933.4 (MANE Select); coding-DNA position 12698, G replaced by A.
Protein change: p.Trp4233Ter; replaces tryptophan 4233 with a stop codon.
Molecular consequence: nonsense.
Genome position (GRCh38, 1-based): chr1:215,675,213, C>T on the plus strand (G>A on the coding strand, the complement: USH2A is on the minus strand). VCF-style: chr1-215675213-C-T. GRCh37 (hg19) VCF-style: chr1-215848555-C-T.
Other names: short protein forms W4233*.
Identifiers: ClinVar variation 2500303 (VCV002500303.1), dbSNP rs2464899060, ClinGen allele CA344849791.